The following is an entry in ClinVar:

NM_182914.3(SYNE2):c.18085A>G (p.Lys6029Glu)

Gene: SYNE2 (spectrin repeat containing nuclear envelope protein 2; plus strand). Cytogenetic location: 14q23.2.
Variant type: single nucleotide variant.
Coding change: c.18085A>G on transcript NM_182914.3 (MANE Select); coding-DNA position 18085, A replaced by G.
Protein change: p.Lys6029Glu; replaces lysine 6029 with glutamic acid.
Molecular consequence: missense variant.
Genome position (GRCh38, 1-based): chr14:64,202,847, A>G. VCF-style: chr14-64202847-A-G. GRCh37 (hg19) VCF-style: chr14-64669565-A-G.
Other names: c.18085A>G, p.Lys6029Glu (NM_015180.6); short protein forms K6029E.
Identifiers: ClinVar variation 663496 (VCV000663496.9), dbSNP rs1016575974, ClinGen allele CA261818783.

ClinVar aggregate classification (germline): Uncertain significance. Review status: criteria provided, multiple submitters, no conflicts (2 of 4 stars). 2 submissions from 2 submitters: Uncertain significance (2). Last evaluated 2026-09-01.

Conditions:
Emery-Dreifuss muscular dystrophy 5, autosomal dominant (EDMD5). Also called: EMERY-DREIFUSS MUSCULAR DYSTROPHY 5. Identifiers: Orphanet 261, MedGen C2751805, MONDO:0013072, OMIM 612999.

Submissions (2):

CeGaT Center for Human Genetics Tuebingen
Classification: Uncertain significance. Last evaluated: 2026-09-01. Review status: criteria provided, single submitter. Criteria: CeGaT Center For Human Genetics Tuebingen Variant Classification Criteria Version 2. Collection method: clinical testing. Allele origin: germline. Affected: yes. Observed: 1 variant allele.
Comment: SYNE2: PM2

Labcorp Genetics (formerly Invitae), Labcorp
Classification: Uncertain significance for Emery-Dreifuss muscular dystrophy 5, autosomal dominant. Last evaluated: 2022-02-04. Review status: criteria provided, single submitter. Criteria: Invitae Variant Classification Sherloc (09022015). Collection method: clinical testing. Allele origin: germline.
Comment: In summary, the available evidence is currently insufficient to determine the role of this variant in disease. Therefore, it has been classified as a Variant of Uncertain Significance. Algorithms developed to predict the effect of missense changes on protein structure and function are either unavailable or do not agree on the potential impact of this missense change (SIFT: "Deleterious"; PolyPhen-2: "Possibly Damaging"; Align-GVGD: "Class C0"). ClinVar contains an entry for this variant (Variation ID: 663496). This variant has not been reported in the literature in individuals affected with SYNE2-related conditions. This variant is not present in population databases (gnomAD no frequency). This sequence change replaces lysine, which is basic and polar, with glutamic acid, which is acidic and polar, at codon 6029 of the SYNE2 protein (p.Lys6029Glu).